The following is an entry in ClinVar:

ClinVar aggregate classification (germline): Uncertain significance. Review status: criteria provided, multiple submitters, no conflicts (2 of 4 stars). 2 submissions from 2 submitters: Uncertain significance (2). Last evaluated 2025-08-04.

Conditions:
Inborn genetic diseases. Identifiers: MedGen C0950123, MeSH D030342.
Fanconi anemia (FA). Also called: Fanconi's anemia. Identifiers: Orphanet 84, MedGen C0015625, MeSH D005199, MONDO:0019391.

Allele frequency attached by ClinVar (database versions not stated): gnomAD exomes 0.00001; TOPMed 0.00001; ExAC 0.00002.
gnomAD v4.1: 3 of 1,614,168 alleles (0.00019%); highest among the groups gnomAD compares: Admixed American, 0.005%; no homozygotes.

Submissions (2):

Ambry Genetics
Classification: Uncertain significance for Inborn genetic diseases. Last evaluated: 2025-08-04. Review status: criteria provided, single submitter. Criteria: Ambry Variant Classification Scheme 2023. Collection method: clinical testing. Allele origin: germline.

Labcorp Genetics (formerly Invitae), Labcorp
Classification: Uncertain significance for Fanconi anemia. Last evaluated: 2022-02-28. Review status: criteria provided, single submitter. Criteria: Invitae Variant Classification Sherloc (09022015). Collection method: clinical testing. Allele origin: germline.
Comment: In summary, the available evidence is currently insufficient to determine the role of this variant in disease. Therefore, it has been classified as a Variant of Uncertain Significance. Algorithms developed to predict the effect of missense changes on protein structure and function are either unavailable or do not agree on the potential impact of this missense change (SIFT: "Deleterious"; PolyPhen-2: "Possibly Damaging"; Align-GVGD: "Class C0"). This variant has not been reported in the literature in individuals affected with SLX4-related conditions. This variant is present in population databases (rs751277872, gnomAD 0.009%). This sequence change replaces lysine, which is basic and polar, with asparagine, which is neutral and polar, at codon 404 of the SLX4 protein (p.Lys404Asn).

NM_032444.4(SLX4):c.1212G>C (p.Lys404Asn)

Gene: SLX4 (SLX4 structure-specific endonuclease subunit; minus strand). Cytogenetic location: 16p13.3.
Variant type: single nucleotide variant.
Coding change: c.1212G>C on transcript NM_032444.4 (MANE Select); coding-DNA position 1212, G replaced by C.
Protein change: p.Lys404Asn; replaces lysine 404 with asparagine.
Molecular consequence: missense variant.
Genome position (GRCh38, 1-based): chr16:3,597,951, C>G on the plus strand (G>C on the coding strand, the complement: SLX4 is on the minus strand). VCF-style: chr16-3597951-C-G. GRCh37 (hg19) VCF-style: chr16-3647952-C-G.
Other names: short protein forms K404N.
Identifiers: ClinVar variation 2145524 (VCV002145524.3), dbSNP rs751277872, ClinGen allele CA7866591.
Genomic context (GRCh38, chr16:3,597,951, plus strand): 5'-GGCCACCAGCAGGTCCTCGGACGGTGCCTCGTCCACCTTCCGCCTCTTCCGTGGCTCCTT[C>G]TTGCTGGTGGGTCCTCTCCGTTTCAGACCTCTACTGTGATCACTGAAGCTAGAAAACAGC-3'
Protein context (NP_115820.2, residues 394-414): RGLKRRGPTS[Lys404Asn]KEPRKRRKVD